The following is an entry in ClinVar:

NM_024996.7(GFM1):c.1096_1099del (p.Gly366fs)

Gene: GFM1 (G elongation factor mitochondrial 1; plus strand). Cytogenetic location: 3q25.32.
Variant type: Deletion.
Coding change: c.1096_1099del on transcript NM_024996.7 (MANE Select); coding-DNA positions 1096 to 1099, 4 bases deleted (GGAC; older notation c.1096_1099delGGAC).
Protein change: p.Gly366fs; shifts the reading frame from glycine 366.
Molecular consequence: frameshift variant. On other transcripts: non-coding transcript variant (4), intron variant (1).
Genome position (GRCh38, 1-based): chr3:158,658,934-158,658,937, GGAC deleted. VCF-style (leftmost placement, unchanged base first): chr3-158658933-TGGAC-T. GRCh37 (hg19) VCF-style: chr3-158376722-TGGAC-T.
Other names: c.1153_1156del, p.Gly385fs (NM_001308164.2); c.1096_1099del, p.Gly366fs (NM_001308166.2); c.979_982del, p.Gly327fs (NM_001374356.1); c.871_874del, p.Gly291fs (NM_001374357.1); c.637_640del, p.Gly213fs (NM_001374358.1); c.529_532del, p.Gly177fs (NM_001374359.1, NM_001374360.1); c.412_415del, p.Gly138fs (NM_001374361.1); c.1141-1940_1141-1937del (NM_001374355.1); short protein forms G291fs, G327fs, G138fs, G177fs, G213fs, G366fs, G385fs.
Identifiers: ClinVar variation 1360761 (VCV001360761.6), dbSNP rs1359346386, ClinGen allele CA901387778.

ClinVar aggregate classification (germline): Pathogenic (1 of 4 stars; one submission).

Allele frequency attached by ClinVar (database versions not stated): gnomAD exomes below 0.00001; gnomAD 0.00001; TOPMed 0.00001.

Submission:

Labcorp Genetics (formerly Invitae), Labcorp
Classification: Pathogenic. Last evaluated: 2022-12-22. Review status: criteria provided, single submitter. Criteria: Invitae Variant Classification Sherloc (09022015). Collection method: clinical testing. Allele origin: germline.
Comment: For these reasons, this variant has been classified as Pathogenic. Algorithms developed to predict the effect of sequence changes on RNA splicing suggest that this variant may disrupt the consensus splice site. ClinVar contains an entry for this variant (Variation ID: 1360761). This variant has not been reported in the literature in individuals affected with GFM1-related conditions. This variant is not present in population databases (gnomAD no frequency). This sequence change creates a premature translational stop signal (p.Gly366Asnfs*2) in the GFM1 gene. It is expected to result in an absent or disrupted protein product. Loss-of-function variants in GFM1 are known to be pathogenic (PMID: 16632485, 17160893).

Literature cited by the submitters: PubMed 16632485; PubMed 17160893.